The following is an entry in ClinVar:

NM_001164508.2(NEB):c.22905+2T>C

Genes: NEB (nebulin; minus strand), RIF1 (replication timing regulatory factor 1; plus strand). Cytogenetic location: 2q23.3.
Variant type: single nucleotide variant.
Coding change: c.22905+2T>C on transcript NM_001164508.2 (MANE Select); the canonical splice donor site of the intron after coding-DNA position 22905, T replaced by C.
Molecular consequence: splice donor variant.
Genome position (GRCh38, 1-based): chr2:151,516,457, A>G on the plus strand (T>C on the coding strand, the complement: NEB is on the minus strand). VCF-style: chr2-151516457-A-G. GRCh37 (hg19) VCF-style: chr2-152372971-A-G.
Other names: c.17802+2T>C (NM_004543.5); c.22905+2T>C (NM_001164507.2); c.23010+2T>C (NM_001271208.2).
Identifiers: ClinVar variation 553065 (VCV000553065.9), dbSNP rs1553623367, ClinGen allele CA348755367.

ClinVar aggregate classification (germline): Likely pathogenic. Review status: criteria provided, single submitter (1 of 4 stars). 2 submissions from 2 submitters: Likely pathogenic (1). 1 of the submissions does not count toward it. Last evaluated 2026-01-21.

Conditions:
Nemaline myopathy 2 (NEM2). Also called: Nemaline myopathy 2, autosomal recessive. Identifiers: MedGen C1850569, MONDO:0009725, OMIM 256030.

Allele frequency attached by ClinVar (database versions not stated): gnomAD exomes below 0.00001; TOPMed below 0.00001; gnomAD 0.00001.
gnomAD v4.1: 2 of 1,602,092 alleles (0.00012%); highest among the groups gnomAD compares: Non-Finnish European, 0.00017%; no homozygotes.

Submissions (2):

Labcorp Genetics (formerly Invitae), Labcorp
Classification: Likely pathogenic for Nemaline myopathy 2. Last evaluated: 2026-01-21. Review status: criteria provided, single submitter. Criteria: Invitae Variant Classification Sherloc (09022015). Collection method: clinical testing. Allele origin: germline.
Comment: This sequence change affects a donor splice site in intron 158 of the NEB gene. It is expected to disrupt RNA splicing. Variants that disrupt the donor or acceptor splice site typically lead to a loss of protein function (PMID: 16199547), and loss-of-function variants in NEB are known to be pathogenic (PMID: 25205138). This variant is not present in population databases (gnomAD no frequency). This variant has not been reported in the literature in individuals affected with NEB-related conditions. ClinVar contains an entry for this variant (Variation ID: 553065). Algorithms developed to predict the effect of sequence changes on RNA splicing suggest that this variant may disrupt the consensus splice site. In summary, the currently available evidence indicates that the variant is pathogenic, but additional data are needed to prove that conclusively. Therefore, this variant has been classified as Likely Pathogenic.

Counsyl
Classification: Likely pathogenic for Nemaline myopathy 2. Last evaluated: 2017-07-27. Review status: no assertion criteria provided. Collection method: clinical testing. Allele origin: unknown. Not counted in ClinVar's aggregate classification.

Literature cited by the submitters: PubMed 16199547 (cited by Labcorp Genetics (formerly Invitae), Labcorp); PubMed 25205138 (cited by Labcorp Genetics (formerly Invitae), Labcorp).